The following is an entry in ClinVar:

ClinVar aggregate classification (germline): Uncertain significance (1 of 4 stars; one submission).

Conditions:
Inborn genetic diseases. Identifiers: MedGen C0950123, MeSH D030342.

Submission:

Ambry Genetics
Classification: Uncertain significance for Inborn genetic diseases. Last evaluated: 2026-05-18. Review status: criteria provided, single submitter. Criteria: Ambry Variant Classification Scheme 2023. Collection method: clinical testing. Allele origin: germline.
Comment: The p.M389T variant (also known as c.1166T>C), located in coding exon 1 of the SAMD9L gene, results from a T to C substitution at nucleotide position 1166. The methionine at codon 389 is replaced by threonine, an amino acid with similar properties. This amino acid position is conserved. In addition, this alteration is predicted to be tolerated by in silico analysis. Based on the available evidence, the clinical significance of this variant remains unclear.

NM_152703.5(SAMD9L):c.1166T>C (p.Met389Thr)

Gene: SAMD9L (sterile alpha motif domain containing 9 like; minus strand). Cytogenetic location: 7q21.2.
Variant type: single nucleotide variant.
Coding change: c.1166T>C on transcript NM_152703.5 (MANE Select); coding-DNA position 1166, T replaced by C.
Protein change: p.Met389Thr; replaces methionine 389 with threonine.
Molecular consequence: missense variant.
Genome position (GRCh38, 1-based): chr7:93,134,806, A>G on the plus strand (T>C on the coding strand, the complement: SAMD9L is on the minus strand). VCF-style: chr7-93134806-A-G. GRCh37 (hg19) VCF-style: chr7-92764119-A-G.
Other names: c.1166T>C, p.Met389Thr (NM_001303496.3, NM_001303497.3, NM_001303498.3 and 5 more transcripts); short protein forms M389T.
Identifiers: ClinVar variation 4864003 (VCV004864003.1).
Genomic context (GRCh38, chr7:93,134,806, plus strand): 5'-AGTGAGTCTCGGTTTCCTATGAGAAGTTTAACCAGCTTTAGTCCTTCACTCTCCTTCTTC[A>G]TTGCCTTCATTCCATACTCTTCTTCAGCCTCTTTTCTAGATGCTACCAGTGACTTTAAAT-3'
Protein context (NP_689916.2, residues 379-399): EAEEEYGMKA[Met389Thr]KKESEGLKLV